The following is an entry in ClinVar:

ClinVar aggregate classification (germline): Likely benign. Review status: criteria provided, multiple submitters, no conflicts (2 of 4 stars). 2 submissions from 2 submitters: Likely benign (2). Last evaluated 2022-02-03.

Allele frequency attached by ClinVar (database versions not stated): gnomAD 0.00009; gnomAD exomes 0.00014 and 0.00041; TOPMed 0.00018; ExAC 0.00037.
gnomAD v4.1: 210 of 1,611,228 alleles (0.013%); highest among the groups gnomAD compares: East Asian, 0.46%; no homozygotes.

Submissions (2):

Labcorp Genetics (formerly Invitae), Labcorp
Classification: Likely benign. Last evaluated: 2022-02-03. Review status: criteria provided, single submitter. Criteria: Invitae Variant Classification Sherloc (09022015). Collection method: clinical testing. Allele origin: germline.

GeneDx
Classification: Likely benign. Last evaluated: 2021-05-17. Review status: criteria provided, single submitter. Criteria: GeneDx Variant Classification Process June 2021. Collection method: clinical testing. Allele origin: germline. Affected: yes.
Comment: This variant is associated with the following publications: (PMID: 30896630)

NM_001039141.3(TRIOBP):c.3256C>A (p.Pro1086Thr)

Gene: TRIOBP (TRIO and F-actin binding protein; plus strand). Cytogenetic location: 22q13.1.
Variant type: single nucleotide variant.
Coding change: c.3256C>A on transcript NM_001039141.3 (MANE Select); coding-DNA position 3256, C replaced by A.
Protein change: p.Pro1086Thr; replaces proline 1086 with threonine.
Molecular consequence: missense variant.
Genome position (GRCh38, 1-based): chr22:37,725,812, C>A. VCF-style: chr22-37725812-C-A. GRCh37 (hg19) VCF-style: chr22-38121819-C-A.
Other names: short protein forms P1086T.
Identifiers: ClinVar variation 1215419 (VCV001215419.8), dbSNP rs768114738, ClinGen allele CA10224074.